The following is an entry in ClinVar:

NM_013275.6(ANKRD11):c.296_306del (p.Gly99fs)

Gene: ANKRD11 (ankyrin repeat domain 11; minus strand). Cytogenetic location: 16q24.3.
Variant type: Deletion.
Coding change: c.296_306del on transcript NM_013275.6 (MANE Select); coding-DNA positions 296 to 306, 11 bases deleted (GCATGGGGCTG).
Protein change: p.Gly99fs; shifts the reading frame from glycine 99.
Molecular consequence: frameshift variant. On other transcripts: non-coding transcript variant (1).
Genome position (GRCh38, 1-based): chr16:89,291,104-89,291,114, CAGCCCCATGC deleted on the plus strand (GCATGGGGCTG on the coding strand, the reverse complement: ANKRD11 is on the minus strand); deleting any 11 consecutive bases within chr16:89,291,104-89,291,116 gives the same sequence; the c. name uses the placement nearest the transcript's 3' end. VCF-style (leftmost placement, unchanged base first): chr16-89291103-ACAGCCCCATGC-A. GRCh37 (hg19) VCF-style: chr16-89357511-ACAGCCCCATGC-A.
Other names: NP_037407.4:p.(Gly99ValfsTer58); c.296_306del, p.Gly99fs (NM_001256182.2, NM_001256183.2); short protein forms G99fs.
Identifiers: ClinVar variation 4876216 (VCV004876216.1).

ClinVar aggregate classification (germline): Likely pathogenic (1 of 4 stars; one submission).

Conditions:
KBG syndrome (KBGS). Also called: ANKRD11-Related KBG Syndrome. Identifiers: Orphanet 2332, MedGen C0220687, MONDO:0007846, OMIM 148050.

Submission:

Umrani?ye Training and Research Hospital
Classification: Likely pathogenic for KBG syndrome. Last evaluated: 2026-06-29. Review status: criteria provided, single submitter. Criteria: ACMG Guidelines, 2015. Collection method: clinical testing. Allele origin: germline. Inheritance: Autosomal dominant inheritance. Affected: yes.
Comment: PVS1, PM2

Literature cited by the submitters: PubMed 42808190.